The following is an entry in ClinVar:

ClinVar aggregate classification (germline): Pathogenic (1 of 4 stars; one submission).

Submission:

Labcorp Genetics (formerly Invitae), Labcorp
Classification: Pathogenic. Last evaluated: 2021-11-26. Review status: criteria provided, single submitter. Criteria: Invitae Variant Classification Sherloc (09022015). Collection method: clinical testing. Allele origin: germline.
Comment: This sequence change replaces glycine, which is neutral and non-polar, with valine, which is neutral and non-polar, at codon 693 of the COL4A5 protein (p.Gly693Val). This variant is not present in population databases (gnomAD no frequency). For these reasons, this variant has been classified as Pathogenic. This variant disrupts the p.Gly693 amino acid residue in COL4A5. Other variant(s) that disrupt this residue have been determined to be pathogenic (PMID: 24033287). This suggests that this residue is clinically significant, and that variants that disrupt this residue are likely to be disease-causing. This variant disrupts the triple helix domain of COL4A5. Glycine residues within the Gly-Xaa-Yaa repeats of the triple helix domain are required for the structure and stability of fibrillar collagens (PMID: 7695699, 8218237, 19344236). In COL4A5, missense variants at these glycine residues are significantly enriched in individuals with disease (PMID: 23720012, 27627812) compared to the general population (ExAC). Advanced modeling of protein sequence and biophysical properties (such as structural, functional, and spatial information, amino acid conservation, physicochemical variation, residue mobility, and thermodynamic stability) performed at Invitae indicates that this missense variant is expected to disrupt COL4A5 protein function. This missense change has been observed in individual(s) with Alport syndrome (PMID: 29854973).

Literature cited by the submitters: PubMed 24033287; PubMed 7695699; PubMed 8218237; PubMed 19344236; PubMed 23720012; PubMed 27627812; PubMed 29854973.

NM_033380.3(COL4A5):c.2078G>T (p.Gly693Val)

Gene: COL4A5 (collagen type IV alpha 5 chain; plus strand). Cytogenetic location: Xq22.3.
Variant type: single nucleotide variant.
Coding change: c.2078G>T on transcript NM_033380.3 (MANE Select); coding-DNA position 2078, G replaced by T.
Protein change: p.Gly693Val; replaces glycine 693 with valine.
Molecular consequence: missense variant.
Genome position (GRCh38, 1-based): chrX:108,601,921, G>T. VCF-style: chrX-108601921-G-T. GRCh37 (hg19) VCF-style: chrX-107845151-G-T.
Other names: c.2078G>T, p.Gly693Val (NM_000495.5); short protein forms G693V.
Identifiers: ClinVar variation 1998125 (VCV001998125.4), dbSNP rs2524328561, ClinGen allele CA413846967.